The following is an entry in ClinVar:

ClinVar aggregate classification (germline): Uncertain significance. Review status: criteria provided, multiple submitters, no conflicts (2 of 4 stars). 3 submissions from 3 submitters: Uncertain significance (3). Last evaluated 2025-12-02.

Conditions:
Genetic developmental and epileptic encephalopathy. Identifiers: MedGen CN379639, MONDO:0100062.
Inborn genetic diseases. Identifiers: MedGen C0950123, MeSH D030342.

Allele frequency attached by ClinVar (database versions not stated): gnomAD exomes below 0.00001; TOPMed below 0.00001; gnomAD 0.00001.
gnomAD v4.1: 4 of 1,603,798 alleles (0.00025%); highest among the groups gnomAD compares: Non-Finnish European, 0.00034%; no homozygotes.

Submissions (3):

Ambry Genetics
Classification: Uncertain significance for Inborn genetic diseases. Last evaluated: 2025-12-02. Review status: criteria provided, single submitter. Criteria: Ambry Variant Classification Scheme 2023. Collection method: clinical testing. Allele origin: germline.

Labcorp Genetics (formerly Invitae), Labcorp
Classification: Uncertain significance. Last evaluated: 2022-07-04. Review status: criteria provided, single submitter. Criteria: Invitae Variant Classification Sherloc (09022015). Collection method: clinical testing. Allele origin: germline.
Comment: In summary, the available evidence is currently insufficient to determine the role of this variant in disease. Therefore, it has been classified as a Variant of Uncertain Significance. Advanced modeling of protein sequence and biophysical properties (such as structural, functional, and spatial information, amino acid conservation, physicochemical variation, residue mobility, and thermodynamic stability) performed at Invitae indicates that this missense variant is not expected to disrupt CACNA1E protein function. This variant has not been reported in the literature in individuals affected with CACNA1E-related conditions. This variant is not present in population databases (gnomAD no frequency). This sequence change replaces proline, which is neutral and non-polar, with leucine, which is neutral and non-polar, at codon 2101 of the CACNA1E protein (p.Pro2101Leu).

Cambridge Genomics Laboratory, East Genomic Laboratory Hub, NHS Genomic Medicine Service
Classification: Uncertain significance for Genetic developmental and epileptic encephalopathy. Last evaluated: 2019-11-28. Review status: criteria provided, single submitter. Criteria: ACGS Best Practice Guidelines for Variant Classification in Rare Disease 2020. Collection method: clinical testing. Allele origin: germline. Affected: yes. Observed: 1 variant allele.

NM_001205293.3(CACNA1E):c.6431C>T (p.Pro2144Leu)

Gene: CACNA1E (calcium voltage-gated channel subunit alpha1 E; plus strand). Cytogenetic location: 1q25.3.
Variant type: single nucleotide variant.
Coding change: c.6431C>T on transcript NM_001205293.3 (MANE Select); coding-DNA position 6431, C replaced by T.
Protein change: p.Pro2144Leu; replaces proline 2144 with leucine.
Molecular consequence: missense variant.
Genome position (GRCh38, 1-based): chr1:181,798,323, C>T. VCF-style: chr1-181798323-C-T. GRCh37 (hg19) VCF-style: chr1-181767459-C-T.
Other names: c.6302C>T, p.Pro2101Leu (NM_000721.4); c.6245C>T, p.Pro2082Leu (NM_001205294.2); c.6431C>T (NM_001205293.1); short protein forms P2101L, P2144L, P2082L.
Identifiers: ClinVar variation 2073334 (VCV002073334.6), dbSNP rs1350235743, ClinGen allele CA343844788.